The following is an entry in ClinVar:

ClinVar aggregate classification (germline): Pathogenic (1 of 4 stars; one submission).

Submission:

GeneDx
Classification: Pathogenic. Last evaluated: 2017-05-16. Review status: criteria provided, single submitter. Criteria: GeneDx Variant Classification (06012015). Collection method: clinical testing. Allele origin: germline. Affected: yes.
Comment: The c.962_964dupAGT pathogenic variant in the JAG1 gene changes a Cysteine residue at codon 322, to a premature Stop codon at this position, denoted p.Cys322Stop. This variant is predicted to cause loss of normal protein function either through protein truncation or nonsense-mediated mRNA decay. Although this variant has not been previously reported to our knowledge, its presence is consistent with a diagnosis of Alagille syndrome.

NM_000214.3(JAG1):c.962_964dup (p.Cys322Ter)

Gene: JAG1 (jagged canonical Notch ligand 1; minus strand). Cytogenetic location: 20p12.2.
Variant type: Duplication.
Coding change: c.962_964dup on transcript NM_000214.3 (MANE Select); coding-DNA positions 962 to 964, 3 bases duplicated (AGT; older notation c.962_964dupAGT).
Protein change: p.Cys322Ter; replaces cysteine 322 with a stop codon.
Molecular consequence: nonsense.
Genome position (GRCh38, 1-based): chr20:10,652,173-10,652,175, ACT duplicated on the plus strand (AGT on the coding strand, the reverse complement: JAG1 is on the minus strand). VCF-style (leftmost placement, unchanged base first): chr20-10652172-C-CACT. GRCh37 (hg19) VCF-style: chr20-10632820-C-CACT.
Other names: short protein forms C322*.
Identifiers: ClinVar variation 816992 (VCV000816992.1), dbSNP rs1600185804, ClinGen allele CA915952283.
Genomic context (GRCh38, chr20:10,652,172, plus strand): 5'-TTCATCTTGGACCACTTACCAATTTCACAGTTGGGTCCTGAATACCCCTCAGGGCAGGAA[C>CACT]ACTGATATTTGTCAGGGCCTGTGTTGCTACAAGTTCCCCCGTTGAGACACGGCTGATGAG-3'